The following is an entry in ClinVar:

NM_007317.3(KIF22):c.1727G>A (p.Trp576Ter)

Gene: KIF22 (kinesin family member 22; plus strand). Cytogenetic location: 16p11.2.
Variant type: single nucleotide variant.
Coding change: c.1727G>A on transcript NM_007317.3 (MANE Select); coding-DNA position 1727, G replaced by A.
Protein change: p.Trp576Ter; replaces tryptophan 576 with a stop codon.
Molecular consequence: nonsense.
Genome position (GRCh38, 1-based): chr16:29,804,863, G>A. VCF-style: chr16-29804863-G-A. GRCh37 (hg19) VCF-style: chr16-29816184-G-A.
Other names: c.1523G>A, p.Trp508Ter (NM_001256269.2, NM_001256270.1); short protein forms W508*, W576*.
Identifiers: ClinVar variation 4803538 (VCV004803538.1).

ClinVar aggregate classification (germline): Uncertain significance (1 of 4 stars; one submission).

gnomAD v4.1: 2 of 1,613,722 alleles (0.00012%); highest among the groups gnomAD compares: Non-Finnish European, 0.00017%; no homozygotes.

Submission:

Labcorp Genetics (formerly Invitae), Labcorp
Classification: Uncertain significance. Last evaluated: 2025-06-05. Review status: criteria provided, single submitter. Criteria: Invitae Variant Classification Sherloc (09022015). Collection method: clinical testing. Allele origin: germline.
Comment: This sequence change creates a premature translational stop signal (p.Trp576*) in the KIF22 gene. It is expected to result in an absent or disrupted protein product. However, the current clinical and genetic evidence is not sufficient to establish whether loss-of-function variants in KIF22 cause disease. This variant is not present in population databases (gnomAD no frequency). This variant has not been reported in the literature in individuals affected with KIF22-related conditions. In summary, the available evidence is currently insufficient to determine the role of this variant in disease. Therefore, it has been classified as a Variant of Uncertain Significance.